The following is an entry in ClinVar:

ClinVar aggregate classification (germline): Uncertain significance (1 of 4 stars; one submission).

Conditions:
Hereditary cancer-predisposing syndrome. Also called: Neoplastic Syndromes, Hereditary; Tumor predisposition; Hereditary neoplastic syndrome; Hereditary Cancer Syndrome. Identifiers: Orphanet 140162, MedGen C0027672, MeSH D009386, MONDO:0015356.

gnomAD v4.1: 1 of 1,613,856 alleles (0.000062%); no homozygotes.

Submission:

Ambry Genetics
Classification: Uncertain significance for Hereditary cancer-predisposing syndrome. Last evaluated: 2024-04-08. Review status: criteria provided, single submitter. Criteria: Ambry Variant Classification Scheme 2023. Collection method: clinical testing. Allele origin: germline.
Comment: The p.T959A variant (also known as c.2875A>G), located in coding exon 17 of the PTCH1 gene, results from an A to G substitution at nucleotide position 2875. The threonine at codon 959 is replaced by alanine, an amino acid with similar properties. This amino acid position is conserved. In addition, the in silico prediction for this alteration is inconclusive. Based on the available evidence, the clinical significance of this variant remains unclear.

NM_000264.5(PTCH1):c.2875A>G (p.Thr959Ala)

Gene: PTCH1 (patched 1; minus strand). Cytogenetic location: 9q22.32.
Variant type: single nucleotide variant.
Coding change: c.2875A>G on transcript NM_000264.5 (MANE Select); coding-DNA position 2875, A replaced by G.
Protein change: p.Thr959Ala; replaces threonine 959 with alanine.
Molecular consequence: missense variant. On other transcripts: non-coding transcript variant (1).
Genome position (GRCh38, 1-based): chr9:95,459,612, T>C on the plus strand (A>G on the coding strand, the complement: PTCH1 is on the minus strand). VCF-style: chr9-95459612-T-C. GRCh37 (hg19) VCF-style: chr9-98221894-T-C.
Other names: c.2677A>G, p.Thr893Ala (NM_001083602.3); c.2872A>G, p.Thr958Ala (NM_001083603.3); c.2422A>G, p.Thr808Ala (NM_001083604.3, NM_001083605.3, NM_001083606.3 and 1 more transcripts); c.2719A>G, p.Thr907Ala (NM_001354918.2); short protein forms T808A, T958A, T959A, T893A, T907A.
Identifiers: ClinVar variation 3311153 (VCV003311153.1).